The following is an entry in ClinVar:

NM_001190274.2(FBXO11):c.1586G>C (p.Trp529Ser)

Gene: FBXO11 (F-box protein 11; minus strand). Cytogenetic location: 2p16.3.
Variant type: single nucleotide variant.
Coding change: c.1586G>C on transcript NM_001190274.2 (MANE Select); coding-DNA position 1586, G replaced by C.
Protein change: p.Trp529Ser; replaces tryptophan 529 with serine.
Molecular consequence: missense variant.
Genome position (GRCh38, 1-based): chr2:47,823,173, C>G on the plus strand (G>C on the coding strand, the complement: FBXO11 is on the minus strand). VCF-style: chr2-47823173-C-G. GRCh37 (hg19) VCF-style: chr2-48050312-C-G.
Other names: c.1334G>C, p.Trp445Ser (NM_001374325.1, NM_025133.4); short protein forms W445S, W529S.
Identifiers: ClinVar variation 1690818 (VCV001690818.2), dbSNP rs2104738565, ClinGen allele CA346764706.

ClinVar aggregate classification (germline): Uncertain significance (1 of 4 stars; one submission).

Submission:

Laboratorio de Genetica e Diagnostico Molecular, Hospital Israelita Albert Einstein
Classification: Uncertain significance. Last evaluated: 2020-02-21. Review status: criteria provided, single submitter. Criteria: ACMG Guidelines, 2015. Collection method: clinical testing. Allele origin: germline. Affected: yes.
Comment: ACMG classification criteria: PM2